The following is an entry in ClinVar:

NM_001267550.2(TTN):c.86935G>A (p.Val28979Ile)

Genes: TTN (titin; minus strand), TTN-AS1 (TTN antisense RNA 1; plus strand). Cytogenetic location: 2q31.2.
Variant type: single nucleotide variant.
Coding change: c.86935G>A on transcript NM_001267550.2 (MANE Select); coding-DNA position 86935, G replaced by A.
Protein change: p.Val28979Ile; replaces valine 28979 with isoleucine.
Molecular consequence: missense variant.
Genome position (GRCh38, 1-based): chr2:178,558,524, C>T on the plus strand (G>A on the coding strand, the complement: TTN is on the minus strand). VCF-style: chr2-178558524-C-T. GRCh37 (hg19) VCF-style: chr2-179423251-C-T.
Other names: p.V27338I:GTT>ATT; c.59740G>A, p.Val19914Ile (NM_003319.4); c.60115G>A, p.Val20039Ile (NM_133432.3); c.60316G>A, p.Val20106Ile (NM_133437.4); c.82012G>A, p.Val27338Ile (NM_001256850.1); c.79231G>A, p.Val26411Ile (NM_133378.4); short protein forms V26411I, V28979I, V27338I, V20106I, V19914I, V20039I.
Identifiers: ClinVar variation 191865 (VCV000191865.32), dbSNP rs201687390, ClinGen allele CA302422.
Genomic context (GRCh38, chr2:178,558,524, plus strand): 5'-GGGTTGACTTTGCCACTGCACATTTAACCCAGTTTTTCTGTCCTTTTTCTAGTGCTTCAA[C>T]GACATAGTGTACAATTCTGCTTCCGCCATCATGTTCAGGCTTCAGCCAGGTCAGGGAAAC-3'
Protein context (NP_001254479.2, residues 28969-28989): DGGSRIVHYV[Val28979Ile]EALEKGQKNW

ClinVar aggregate classification (germline): Conflicting classifications of pathogenicity. Review status: criteria provided, conflicting classifications (1 of 4 stars). 14 submissions from 10 submitters: Uncertain significance (6); Benign (3); Likely benign (4). 1 of the submissions does not count toward it. Last evaluated 2025-12-15.

Conditions:
Cardiovascular phenotype. Identifiers: MedGen CN230736.
TTN-related disorder. Also called: TTN-related condition; TTN-related disease; TTN-related disorders.
Autosomal recessive limb-girdle muscular dystrophy type 2J (LGMDR10). Also called: MUSCULAR DYSTROPHY, LIMB-GIRDLE, AUTOSOMAL RECESSIVE 10; Limb-girdle muscular dystrophy, type 2J. Identifiers: Orphanet 140922, MedGen C1837342, MONDO:0012127, OMIM 608807.
Dilated cardiomyopathy 1G (CMD1G). Identifiers: Orphanet 154, MedGen C1858763, MONDO:0011400, OMIM 604145.
Myopathy, myofibrillar, 9, with early respiratory failure (MFM9). Also called: Hereditary myopathy with early respiratory failure; EDSTROM MYOPATHY; MYOPATHY, PROXIMAL, WITH EARLY RESPIRATORY MUSCLE INVOLVEMENT; Myopathy, distal, with early respiratory failure, autosomal dominant. Identifiers: Orphanet 178464, Orphanet 34521, MedGen C1863599, MONDO:0011362, OMIM 603689.
Early-onset myopathy with fatal cardiomyopathy (CMYO5). Also called: CONGENITAL MYOPATHY 5 WITH CARDIOMYOPATHY; Salih Myopathy. Identifiers: Orphanet 289377, MedGen C2673677, MONDO:0012714, OMIM 611705. Disease mechanism: loss of function.
Tibial muscular dystrophy (TMD). Also called: Tibial muscular dystrophy, tardive; UDD MYOPATHY; Udd Distal Myopathy – Tibial Muscular Dystrophy. Identifiers: Orphanet 609, MedGen C1838244, MONDO:0010870, OMIM 600334.

Allele frequency attached by ClinVar (database versions not stated): gnomAD 0.00013; ExAC 0.00017; TOPMed 0.00019; gnomAD exomes 0.00021; ESP Exome Variant Server 0.00025.
gnomAD v4.1: 226 of 1,613,658 alleles (0.014%); highest among the groups gnomAD compares: East Asian, 0.087%; no homozygotes.

Submissions (14):

Labcorp Genetics (formerly Invitae), Labcorp
Classification: Likely benign for Dilated cardiomyopathy 1G; Autosomal recessive limb-girdle muscular dystrophy type 2J. Last evaluated: 2025-12-15. Review status: criteria provided, single submitter. Criteria: Invitae Variant Classification Sherloc (09022015). Collection method: clinical testing. Allele origin: germline.

Blueprint Genetics
Classification: Likely benign. Last evaluated: 2024-10-23. Review status: criteria provided, single submitter. Criteria: ACMG Guidelines, 2015. Collection method: clinical testing. Allele origin: germline.

GeneDx
Classification: Likely benign. Last evaluated: 2021-02-24. Review status: criteria provided, single submitter. Criteria: GeneDx Variant Classification Process June 2021. Collection method: clinical testing. Allele origin: germline. Affected: yes.

Ambry Genetics
Classification: Benign for Cardiovascular phenotype. Last evaluated: 2020-05-27. Review status: criteria provided, single submitter. Criteria: Ambry Variant Classification Scheme 2023. Collection method: clinical testing. Allele origin: germline.

Revvity Omics, Revvity
Classification: Uncertain significance. Last evaluated: 2019-10-29. Review status: criteria provided, single submitter. Criteria: ACMG Guidelines, 2015. Collection method: clinical testing. Allele origin: germline.

Eurofins Ntd Llc (ga)
Classification: Uncertain significance. Last evaluated: 2018-03-19. Review status: criteria provided, single submitter. Criteria: EGL ClinVar v180209 classification definitions. Collection method: clinical testing. Allele origin: germline. Observed: 2 variant alleles, 2 heterozygotes.

Illumina Laboratory Services, Illumina
Classification: Uncertain significance for Autosomal recessive limb-girdle muscular dystrophy type 2J. Last evaluated: 2018-01-12. Review status: criteria provided, single submitter. Criteria: ICSL Variant Classification Criteria 13 December 2019. Collection method: clinical testing. Allele origin: germline.

Illumina Laboratory Services, Illumina
Classification: Uncertain significance for Dilated cardiomyopathy 1G. Last evaluated: 2018-01-12. Review status: criteria provided, single submitter. Criteria: ICSL Variant Classification Criteria 13 December 2019. Collection method: clinical testing. Allele origin: germline.

Illumina Laboratory Services, Illumina
Classification: Benign for Tibial muscular dystrophy. Last evaluated: 2018-01-12. Review status: criteria provided, single submitter. Criteria: ICSL Variant Classification Criteria 13 December 2019. Collection method: clinical testing. Allele origin: germline.
Comment: This variant was observed in the ICSL laboratory as part of a predisposition screen in an ostensibly healthy population. It had not been previously curated by ICSL or reported in the Human Gene Mutation Database (HGMD: prior to June 1st, 2018), and was therefore a candidate for classification through an automated scoring system. Utilizing variant allele frequency, disease prevalence and penetrance estimates, and inheritance mode, an automated score was calculated to assess if this variant is too frequent to cause the disease. Based on the score and internal cut-off values, a variant classified as benign is not then subjected to further curation. The score for this variant resulted in a classification of benign for this disease.

Illumina Laboratory Services, Illumina
Classification: Benign for Myopathy, myofibrillar, 9, with early respiratory failure. Last evaluated: 2018-01-12. Review status: criteria provided, single submitter. Criteria: ICSL Variant Classification Criteria 13 December 2019. Collection method: clinical testing. Allele origin: germline.
Comment: the same text as in the submission from Illumina Laboratory Services, Illumina above.

Illumina Laboratory Services, Illumina
Classification: Uncertain significance for Early-onset myopathy with fatal cardiomyopathy. Last evaluated: 2018-01-12. Review status: criteria provided, single submitter. Criteria: ICSL Variant Classification Criteria 13 December 2019. Collection method: clinical testing. Allele origin: germline.

Laboratory for Molecular Medicine, Mass General Brigham Personalized Medicine
Classification: Likely benign. Last evaluated: 2015-01-29. Review status: criteria provided, single submitter. Criteria: LMM Criteria. Collection method: clinical testing. Allele origin: germline. Observed: 1 variant allele.
Comment: p.Val26411Ile in exon 276 of TTN: This variant is not expected to have clinical significance due to a lack of conservation across species, including mammals. Of note, >10 mammals have a valine (Val) at this position despite high nearby amin o acid conservation. In addition, this variant has been identified in 0.1% (11/8 588) of East Asian chromosomes by the Exome Aggregation Consortium (ExAC; dbSNP rs201687390).

Biesecker Lab/Clinical Genomics Section, National Institutes of Health
Classification: Uncertain significance. Last evaluated: 2013-06-24. Review status: criteria provided, single submitter. Criteria: Ng et al. (Circ Cardiovasc Genet. 2013). Collection method: research. Allele origin: unknown. Observed: 1 variant allele. Study: ClinSeq.
Comment: The study set was not selected for affection status in relation to any cancer. Pathogenicity categories were based on literature curation. See Pubmed ID:23861362 for details.

Medical sequencing

PreventionGenetics, part of Exact Sciences
Classification: Likely benign for TTN-related condition. Last evaluated: 2024-01-02. Review status: no assertion criteria provided. Collection method: clinical testing. Allele origin: germline. Not counted in ClinVar's aggregate classification.
Comment: This variant is classified as likely benign based on ACMG/AMP sequence variant interpretation guidelines (Richards et al. 2015 PMID: 25741868, with internal and published modifications).